The following is an entry in ClinVar:

NM_003998.4(NFKB1):c.2750-149C>T

Gene: NFKB1 (nuclear factor kappa B subunit 1; plus strand). Cytogenetic location: 4q24.
Variant type: single nucleotide variant.
Coding change: c.2750-149C>T on transcript NM_003998.4 (MANE Select); 149 bases into the intron before coding-DNA position 2750, C replaced by T.
Molecular consequence: intron variant.
Genome position (GRCh38, 1-based): chr4:102,616,285, C>T. VCF-style: chr4-102616285-C-T. GRCh37 (hg19) VCF-style: chr4-103537442-C-T.
Other names: c.2750-149C>T (NM_001382626.1, NM_001382625.1); c.2747-149C>T (NM_001382627.1, NM_001165412.2, NM_001319226.2); c.2708-149C>T (NM_001382628.1).
Identifiers: ClinVar variation 1225916 (VCV001225916.5), dbSNP rs1609798, ClinGen allele CA11757316.
Genomic context (GRCh38, chr4:102,616,285, plus strand): 5'-AATTCTGACATTTGGCTAATAACATCCTCACAGTATGTCCCAAGTATCTTCTGCCCTTCC[C>T]ACCACGGTGAGCAGTCATGACAGTGAGGGTGGCATAGGTGGGATGTGTGGCTGGCAGAAG-3'

ClinVar aggregate classification (germline): Benign. Review status: criteria provided, multiple submitters, no conflicts (2 of 4 stars). 2 submissions from 2 submitters: Benign (2). Last evaluated 2023-11-12.

Allele frequency attached by ClinVar (database versions not stated): gnomAD 0.26062 and 0.26548; TOPMed 0.26154; 1000 Genomes Project 30x 0.27389; 1000 Genomes Project 0.27596.
gnomAD v4.1: 234,242 of 772,700 alleles (30%); highest among the groups gnomAD compares: Admixed American, 44%; 38,342 homozygotes.

Submissions (2):

Unidad de Genómica Garrahan, Hospital de Pediatría Garrahan
Classification: Benign. Last evaluated: 2023-11-12. Review status: criteria provided, single submitter. Criteria: ACMG Guidelines, 2015. Collection method: clinical testing. Allele origin: germline. Affected: no. Observed: 59 variant alleles.
Comment: This variant is classified as Benign based on local population frequency. This variant was detected in 61% of patients studied by a panel of primary immunodeficiencies. Number of patients: 59. Only high quality variants are reported.

GeneDx
Classification: Benign. Last evaluated: 2018-11-12. Review status: criteria provided, single submitter. Criteria: GeneDx Variant Classification Process June 2021. Collection method: clinical testing. Allele origin: germline. Affected: yes.